The following is an entry in ClinVar:

NM_001042492.3(NF1):c.1931C>A (p.Ser644Tyr)

Gene: NF1 (neurofibromin 1; plus strand). Cytogenetic location: 17q11.2.
Variant type: single nucleotide variant.
Coding change: c.1931C>A on transcript NM_001042492.3 (MANE Select); coding-DNA position 1931, C replaced by A.
Protein change: p.Ser644Tyr; replaces serine 644 with tyrosine.
Molecular consequence: missense variant.
Genome position (GRCh38, 1-based): chr17:31,225,180, C>A. VCF-style: chr17-31225180-C-A. GRCh37 (hg19) VCF-style: chr17-29552198-C-A.
Other names: c.1931C>A, p.Ser644Tyr (NM_000267.4); short protein forms S644Y.
Identifiers: ClinVar variation 1692323 (VCV001692323.2), dbSNP rs1174202288, ClinGen allele CA399005380.

ClinVar aggregate classification (germline): Uncertain significance. Review status: criteria provided, multiple submitters, no conflicts (2 of 4 stars). 2 submissions from 2 submitters: Uncertain significance (2). Last evaluated 2025-07-21.

Conditions:
Hereditary cancer-predisposing syndrome. Also called: Hereditary Cancer Syndrome; Hereditary neoplastic syndrome; Neoplastic Syndromes, Hereditary; Tumor predisposition. Identifiers: Orphanet 140162, MedGen C0027672, MeSH D009386, MONDO:0015356.
Cardiovascular phenotype. Identifiers: MedGen CN230736.

gnomAD v4.1: 1 of 1,613,712 alleles (0.000062%); highest among the groups gnomAD compares: East Asian, 0.0022%; no homozygotes.

Submissions (2):

Ambry Genetics
Classification: Uncertain significance for Cardiovascular phenotype; Hereditary cancer-predisposing syndrome. Last evaluated: 2025-07-21. Review status: criteria provided, single submitter. Criteria: Ambry Variant Classification Scheme 2023. Collection method: clinical testing. Allele origin: germline.
Comment: The p.S644Y variant (also known as c.1931C>A), located in coding exon 17 of the NF1 gene, results from a C to A substitution at nucleotide position 1931. The serine at codon 644 is replaced by tyrosine, an amino acid with dissimilar properties. This amino acid position is conserved in available vertebrate species. In addition, this alteration is predicted to be tolerated by in silico analysis. Based on the available evidence, the clinical significance of this variant remains unclear.

Sema4
Classification: Uncertain significance for Hereditary cancer-predisposing syndrome. Last evaluated: 2021-11-03. Review status: criteria provided, single submitter. Criteria: Sema4 Curation Guidelines. Collection method: curation. Allele origin: germline.
Comment: The NF1 c.1931C>A (p.S644Y) variant has been reported in controls, but not in the affected individuals in breast cancer and pancreatic cancer case-control analyses (PMID: 30287823, 32980694). It was not observed in the large and broad cohorts of the Genome Aggregation Database (PMID: 32461654). The variant has not been reported in ClinVar. Functional studies have not been performed, and in silico predictions of the variant's effect on protein function are inconclusive. The evidence is insufficient to meet ACMG/AMP criteria for classifying the variant as benign or pathogenic. Thus, the clinical significance of this variant is currently uncertain.

Literature cited by the submitters: PubMed 30287823 (cited by Sema4); PubMed 32980694 (cited by Sema4).